The following is an entry in ClinVar:

NM_005529.7(HSPG2):c.4396-5C>T

Gene: HSPG2 (heparan sulfate proteoglycan 2; minus strand). Cytogenetic location: 1p36.12.
Variant type: single nucleotide variant.
Coding change: c.4396-5C>T on transcript NM_005529.7 (MANE Select); 5 bases into the intron before coding-DNA position 4396, C replaced by T.
Molecular consequence: intron variant.
Genome position (GRCh38, 1-based): chr1:21,865,078, G>A on the plus strand (C>T on the coding strand, the complement: HSPG2 is on the minus strand). VCF-style: chr1-21865078-G-A. GRCh37 (hg19) VCF-style: chr1-22191571-G-A.
Other names: c.4399-5C>T (NM_001291860.2).
Identifiers: ClinVar variation 734977 (VCV000734977.23), dbSNP rs117917442, ClinGen allele CA672279.

ClinVar aggregate classification (germline): Benign/Likely benign. Review status: criteria provided, multiple submitters, no conflicts (2 of 4 stars). 6 submissions from 5 submitters: Benign (3); Likely benign (2). 1 of the submissions does not count toward it. Last evaluated 2026-02-01.

Conditions:
Schwartz-Jampel syndrome. Also called: Myotonic myopathy dwarfism chondrodystrophy and ocular and facial abnormalities. Identifiers: Orphanet 800, MedGen C0036391, MONDO:0009717.
Lethal Kniest-like syndrome (DDSH). Also called: Dyssegmental Dysplasia. Identifiers: Orphanet 1865, MedGen C1857100, MONDO:0009140, OMIM 224410.
HSPG2-related disorder. Also called: HSPG2-related condition; HSPG2-related disorders.

Allele frequency attached by ClinVar (database versions not stated): gnomAD 0.00040 and 0.00054; TOPMed 0.00073; gnomAD exomes 0.00111; ExAC 0.00131; 1000 Genomes Project 30x 0.00328; 1000 Genomes Project 0.00359.
gnomAD v4.1: 553 of 1,560,918 alleles (0.035%); highest among the groups gnomAD compares: East Asian, 1.2%; 9 homozygotes.

Submissions (6):

Labcorp Genetics (formerly Invitae), Labcorp
Classification: Benign. Last evaluated: 2026-02-01. Review status: criteria provided, single submitter. Criteria: Invitae Variant Classification Sherloc (09022015). Collection method: clinical testing. Allele origin: germline.

Blueprint Genetics
Classification: Likely benign. Last evaluated: 2024-04-18. Review status: criteria provided, single submitter. Criteria: ACMG Guidelines, 2015. Collection method: clinical testing. Allele origin: germline.

ARUP Laboratories, Molecular Genetics and Genomics, ARUP Laboratories
Classification: Likely benign. Last evaluated: 2021-11-30. Review status: criteria provided, single submitter. Criteria: ARUP Molecular Germline Variant Investigation Process 2021. Collection method: clinical testing. Allele origin: germline.

Illumina Laboratory Services, Illumina
Classification: Benign for Schwartz-Jampel syndrome type 1. Last evaluated: 2017-04-27. Review status: criteria provided, single submitter. Criteria: ICSL Variant Classification Criteria 13 December 2019. Collection method: clinical testing. Allele origin: germline.
Comment: This variant was observed as part of a predisposition screen in an ostensibly healthy population. A literature search was performed for the gene, cDNA change, and amino acid change (where applicable). No publications were found based on this search. Allele frequency data from public databases was too high to be consistent with this variant causing disease. Therefore, this variant is classified as benign.

Illumina Laboratory Services, Illumina
Classification: Benign for Lethal Kniest-like syndrome. Last evaluated: 2017-04-27. Review status: criteria provided, single submitter. Criteria: ICSL Variant Classification Criteria 13 December 2019. Collection method: clinical testing. Allele origin: germline.
Comment: the same text as in the submission from Illumina Laboratory Services, Illumina above.

PreventionGenetics, part of Exact Sciences
Classification: Benign for HSPG2-related condition. Last evaluated: 2021-06-08. Review status: no assertion criteria provided. Collection method: clinical testing. Allele origin: germline. Not counted in ClinVar's aggregate classification.
Comment: This variant is classified as benign based on ACMG/AMP sequence variant interpretation guidelines (Richards et al. 2015 PMID: 25741868, with internal and published modifications).